The following is an entry in ClinVar:

NM_006019.4(TCIRG1):c.1735G>A (p.Gly579Arg)

Gene: TCIRG1 (T cell immune regulator 1, ATPase H+ transporting V0 subunit a3; plus strand). Cytogenetic location: 11q13.2.
Variant type: single nucleotide variant.
Coding change: c.1735G>A on transcript NM_006019.4 (MANE Select); coding-DNA position 1735, G replaced by A.
Protein change: p.Gly579Arg; replaces glycine 579 with arginine.
Molecular consequence: missense variant.
Genome position (GRCh38, 1-based): chr11:68,049,142, G>A. VCF-style: chr11-68049142-G-A. GRCh37 (hg19) VCF-style: chr11-67816609-G-A.
Other names: c.841G>A, p.Gly281Arg (NM_001351059.2); c.1087G>A, p.Gly363Arg (NM_006053.4); c.1735G>A (NM_006019.3); short protein forms G579R, G281R, G363R.
Identifiers: ClinVar variation 2200609 (VCV002200609.5), dbSNP rs144442205, ClinGen allele CA6147250.

ClinVar aggregate classification (germline): Uncertain significance. Review status: criteria provided, multiple submitters, no conflicts (2 of 4 stars). 3 submissions from 3 submitters: Uncertain significance (2). 1 of the submissions does not count toward it. Last evaluated 2026-01-28.

Conditions:
TCIRG1-related disorder. Also called: TCIRG1-related condition.

Allele frequency attached by ClinVar (database versions not stated): TOPMed below 0.00001; ExAC 0.00001; gnomAD 0.00001; gnomAD exomes 0.00001; ESP Exome Variant Server 0.00008; 1000 Genomes Project 30x 0.00016; 1000 Genomes Project 0.00020.

Submissions (3):

Labcorp Genetics (formerly Invitae), Labcorp
Classification: Uncertain significance. Last evaluated: 2026-01-28. Review status: criteria provided, single submitter. Criteria: Invitae Variant Classification Sherloc (09022015). Collection method: clinical testing. Allele origin: germline.
Comment: This sequence change replaces glycine, which is neutral and non-polar, with arginine, which is basic and polar, at codon 579 of the TCIRG1 protein (p.Gly579Arg). This variant is present in population databases (rs144442205, gnomAD 0.003%). This missense change has been observed in individual(s) with clinical features of osteopetrosis (PMID: 22231430, 38261998). ClinVar contains an entry for this variant (Variation ID: 2200609). Invitae Evidence Modeling of protein sequence and biophysical properties (such as structural, functional, and spatial information, amino acid conservation, physicochemical variation, residue mobility, and thermodynamic stability) indicates that this missense variant is expected to disrupt TCIRG1 protein function with a positive predictive value of 80%. In summary, the available evidence is currently insufficient to determine the role of this variant in disease. Therefore, it has been classified as a Variant of Uncertain Significance.

Blueprint Genetics
Classification: Uncertain significance. Last evaluated: 2024-10-11. Review status: criteria provided, single submitter. Criteria: ACMG Guidelines, 2015. Collection method: clinical testing. Allele origin: germline.

PreventionGenetics, part of Exact Sciences
Classification: Uncertain significance for TCIRG1-related condition. Last evaluated: 2024-07-30. Review status: no assertion criteria provided. Collection method: clinical testing. Allele origin: germline. Not counted in ClinVar's aggregate classification.
Comment: The TCIRG1 c.1735G>A variant is predicted to result in the amino acid substitution p.Gly579Arg. This variant was reported in a cohort of patients with osteopetrosis; however, no additional clinical or functional information was provided to assess the pathogenicity of this variant (Pangrazio et al. 2012. PubMed ID: 22231430). In addition, this variant has been reported the compound heterozygous state with the TCIRG1 c.1249G>A (p.Ala417Thr) in at least three patients with osteopetrosis (Jaber et al. 2022. PubMed ID: 35802155; siblings reported in Afshariyamchlou et al. 2022. PubMed ID: 35720663). This variant is reported in 0.0035% of alleles in individuals of European (Non-Finnish) descent in gnomAD. At this time, the clinical significance of this variant is uncertain due to the absence of conclusive functional and genetic evidence.

Literature cited by the submitters: PubMed 22231430 (cited by Labcorp Genetics (formerly Invitae), Labcorp); PubMed 38261998 (cited by Labcorp Genetics (formerly Invitae), Labcorp).